The following is an entry in ClinVar:

NM_001363711.2(DUOX2):c.4240-5C>T

Gene: DUOX2 (dual oxidase 2; minus strand). Cytogenetic location: 15q21.1.
Variant type: single nucleotide variant.
Coding change: c.4240-5C>T on transcript NM_001363711.2 (MANE Select); 5 bases into the intron before coding-DNA position 4240, C replaced by T.
Molecular consequence: intron variant.
Genome position (GRCh38, 1-based): chr15:45,095,096, G>A on the plus strand (C>T on the coding strand, the complement: DUOX2 is on the minus strand). VCF-style: chr15-45095096-G-A. GRCh37 (hg19) VCF-style: chr15-45387294-G-A.
Other names: c.4240-5C>T (NM_014080.4, NM_014080.5).
Identifiers: ClinVar variation 1953535 (VCV001953535.7), dbSNP rs1434106709, ClinGen allele CA713116550.

ClinVar aggregate classification (germline): Likely benign. Review status: criteria provided, single submitter (1 of 4 stars). 2 submissions from 2 submitters: Likely benign (1). 1 of the submissions does not count toward it. Last evaluated 2024-06-06.

Conditions:
DUOX2-related disorder. Also called: DUOX2-related condition.

Allele frequency attached by ClinVar (database versions not stated): gnomAD exomes below 0.00001; gnomAD 0.00001; TOPMed 0.00002.
gnomAD v4.1: 4 of 1,613,052 alleles (0.00025%); highest among the groups gnomAD compares: African/African-American, 0.0053%; no homozygotes.

Submissions (2):

Labcorp Genetics (formerly Invitae), Labcorp
Classification: Likely benign. Last evaluated: 2024-06-06. Review status: criteria provided, single submitter. Criteria: Invitae Variant Classification Sherloc (09022015). Collection method: clinical testing. Allele origin: germline.

PreventionGenetics, part of Exact Sciences
Classification: Likely benign for DUOX2-related condition. Last evaluated: 2023-02-13. Review status: no assertion criteria provided. Collection method: clinical testing. Allele origin: germline. Not counted in ClinVar's aggregate classification.
Comment: This variant is classified as likely benign based on ACMG/AMP sequence variant interpretation guidelines (Richards et al. 2015 PMID: 25741868, with internal and published modifications).